The following is an entry in ClinVar:

NM_001080517.3(SETD5):c.1591C>T (p.Arg531Trp)

Gene: SETD5 (SET domain containing 5; plus strand). Cytogenetic location: 3p25.3.
Variant type: single nucleotide variant.
Coding change: c.1591C>T on transcript NM_001080517.3 (MANE Select); coding-DNA position 1591, C replaced by T.
Protein change: p.Arg531Trp; replaces arginine 531 with tryptophan.
Molecular consequence: missense variant.
Genome position (GRCh38, 1-based): chr3:9,447,116, C>T. VCF-style: chr3-9447116-C-T. GRCh37 (hg19) VCF-style: chr3-9488800-C-T.
Other names: c.1297C>T, p.Arg433Trp (NM_001292043.2, NM_001349451.2); short protein forms R433W, R531W.
Identifiers: ClinVar variation 1478806 (VCV001478806.11), dbSNP rs1197285773, ClinGen allele CA351695609.
Genomic context (GRCh38, chr3:9,447,116, plus strand): 5'-GAAGATAGAAAGGTAGAAGCCATCATGCATGCTTTTGAAAACTTAGAGAAAAGAAAGAAG[C>T]GGCGGGATCAGCCCTTGGAACAGAGCAACTCTGATGTAGAGATTACTACAACCACCTCAG-3'
Protein context (NP_001073986.1, residues 521-541): AFENLEKRKK[Arg531Trp]RDQPLEQSNS

ClinVar aggregate classification (germline): Uncertain significance. Review status: criteria provided, multiple submitters, no conflicts (2 of 4 stars). 3 submissions from 3 submitters: Uncertain significance (3). Last evaluated 2025-11-13.

Conditions:
Intellectual disability-facial dysmorphism syndrome due to SETD5 haploinsufficiency (MRD23). Also called: Intellectual developmental disorder, autosomal dominant 23. Identifiers: Orphanet 404440, MedGen C3810406, MONDO:0014336, OMIM 615761.

Allele frequency attached by ClinVar (database versions not stated): gnomAD exomes 0.00001; TOPMed 0.00001; gnomAD 0.00002.
gnomAD v4.1: 17 of 1,613,620 alleles (0.0011%); highest among the groups gnomAD compares: Middle Eastern, 0.016%; no homozygotes.

Submissions (3):

Dasa
Classification: Uncertain significance. Last evaluated: 2025-11-13. Review status: criteria provided, single submitter. Criteria: DASA Assertion Criteria. Collection method: clinical testing. Allele origin: germline.
Comment: NM_001080517.3(SETD5):c.1591C>T (p.Arg531Trp) is a missense variant that results in the substitution of arginine with tryptophan. This variant is rare in population databases. Computational prediction algorithms are consistent with a deleterious effect. The currently available literature and clinical evidence are not sufficient to establish a definitive association between this variant and the reported condition. Therefore, this variant is classified as a variant of uncertain significance.

Labcorp Genetics (formerly Invitae), Labcorp
Classification: Uncertain significance. Last evaluated: 2024-02-14. Review status: criteria provided, single submitter. Criteria: Invitae Variant Classification Sherloc (09022015). Collection method: clinical testing. Allele origin: germline.
Comment: This sequence change replaces arginine, which is basic and polar, with tryptophan, which is neutral and slightly polar, at codon 531 of the SETD5 protein (p.Arg531Trp). This variant is present in population databases (no rsID available, gnomAD 0.004%). This missense change has been observed in individual(s) with neurodevelopmental disorders (PMID: 28191889, 33004838). This variant is also known as c.1297C>T (XM_005265307.1) and c.1708C>T (XM_005265296.1). ClinVar contains an entry for this variant (Variation ID: 1478806). Advanced modeling of protein sequence and biophysical properties (such as structural, functional, and spatial information, amino acid conservation, physicochemical variation, residue mobility, and thermodynamic stability) performed at Invitae indicates that this missense variant is expected to disrupt SETD5 protein function with a positive predictive value of 80%. In summary, the available evidence is currently insufficient to determine the role of this variant in disease. Therefore, it has been classified as a Variant of Uncertain Significance.

Fulgent Genetics
Classification: Uncertain significance for Intellectual disability-facial dysmorphism syndrome due to SETD5 haploinsufficiency. Last evaluated: 2022-02-15. Review status: criteria provided, single submitter. Criteria: ACMG Guidelines, 2015. Collection method: clinical testing. Allele origin: unknown.

Literature cited by the submitters: PubMed 28191889 (cited by Labcorp Genetics (formerly Invitae), Labcorp); PubMed 33004838 (cited by Labcorp Genetics (formerly Invitae), Labcorp).